The following is an entry in ClinVar:

ClinVar aggregate classification (germline): Uncertain significance. Review status: criteria provided, multiple submitters, no conflicts (2 of 4 stars). 2 submissions from 2 submitters: Uncertain significance (2). Last evaluated 2025-03-05.

Conditions:
Inborn genetic diseases. Identifiers: MedGen C0950123, MeSH D030342.

Allele frequency attached by ClinVar (database versions not stated): gnomAD exomes below 0.00001; TOPMed below 0.00001; gnomAD 0.00001.
gnomAD v4.1: 6 of 1,614,114 alleles (0.00037%); highest among the groups gnomAD compares: Non-Finnish European, 0.00051%; no homozygotes.

Submissions (2):

Ambry Genetics
Classification: Uncertain significance for Inborn genetic diseases. Last evaluated: 2025-03-05. Review status: criteria provided, single submitter. Criteria: Ambry Variant Classification Scheme 2023. Collection method: clinical testing. Allele origin: germline.

Labcorp Genetics (formerly Invitae), Labcorp
Classification: Uncertain significance. Last evaluated: 2023-03-14. Review status: criteria provided, single submitter. Criteria: Invitae Variant Classification Sherloc (09022015). Collection method: clinical testing. Allele origin: germline.
Comment: In summary, the available evidence is currently insufficient to determine the role of this variant in disease. Therefore, it has been classified as a Variant of Uncertain Significance. An algorithm developed to predict the effect of missense changes on protein structure and function (PolyPhen-2) suggests that this variant is likely to be tolerated. This variant has not been reported in the literature in individuals affected with TRPV3-related conditions. This variant is present in population databases (no rsID available, gnomAD 0.007%). This sequence change replaces phenylalanine, which is neutral and non-polar, with leucine, which is neutral and non-polar, at codon 310 of the TRPV3 protein (p.Phe310Leu).

NM_145068.4(TRPV3):c.928T>C (p.Phe310Leu)

Gene: TRPV3 (transient receptor potential cation channel subfamily V member 3; minus strand). Cytogenetic location: 17p13.2.
Variant type: single nucleotide variant.
Coding change: c.928T>C on transcript NM_145068.4 (MANE Select); coding-DNA position 928, T replaced by C.
Protein change: p.Phe310Leu; replaces phenylalanine 310 with leucine.
Molecular consequence: missense variant.
Genome position (GRCh38, 1-based): chr17:3,532,794, A>G on the plus strand (T>C on the coding strand, the complement: TRPV3 is on the minus strand). VCF-style: chr17-3532794-A-G. GRCh37 (hg19) VCF-style: chr17-3436088-A-G.
Other names: c.928T>C (NM_145068.2); c.928T>C, p.Phe310Leu (NM_001258205.2); short protein forms F310L.
Identifiers: ClinVar variation 2955308 (VCV002955308.4), dbSNP rs942044651, ClinGen allele CA287010864.
Genomic context (GRCh38, chr17:3,532,794, plus strand): 5'-TGCCACTCCGCAGTAGGATCATGTCGTACATGCGCTTCACAAAGTCATTCTGCGTCTTGA[A>G]GTCCTCGGCCACGGTCACCAGGGCGTGAAGGATGTTGTTGCCTCGTGAGTCCCGCGAGGT-3'
Protein context (NP_659505.1, residues 300-320): LHALVTVAED[Phe310Leu]KTQNDFVKRM